The following is an entry in ClinVar:

NM_014709.4(USP34):c.5151+1G>A

Gene: USP34 (ubiquitin specific peptidase 34; minus strand). Cytogenetic location: 2p15.
Variant type: single nucleotide variant.
Coding change: c.5151+1G>A on transcript NM_014709.4 (MANE Select); the canonical splice donor site of the intron after coding-DNA position 5151, G replaced by A.
Molecular consequence: splice donor variant.
Genome position (GRCh38, 1-based): chr2:61,281,089, C>T on the plus strand (G>A on the coding strand, the complement: USP34 is on the minus strand). VCF-style: chr2-61281089-C-T. GRCh37 (hg19) VCF-style: chr2-61508224-C-T.
Identifiers: ClinVar variation 4891377 (VCV004891377.1).
Genomic context (GRCh38, chr2:61,281,089, plus strand): 5'-TAAACTGAGGCAAAGGAAATTTCAAAAATAGAAACTGCTTCTAAACACAGTAAAATCTTA[C>T]CCTAATAGGTTTGAGTGCTTGAGCATCAGGAAGAAATTTCAATAATGTTGAGGCAGCCAA-3'

ClinVar aggregate classification (germline): Uncertain significance (1 of 4 stars; one submission).

Submission:

GeneDx
Classification: Uncertain significance. Last evaluated: 2023-07-20. Review status: criteria provided, single submitter. Criteria: GeneDx Variant Classification Process June 2021. Collection method: clinical testing. Allele origin: germline.
Comment: Variants in candidate genes are classified as variants of uncertain significance in accordance with ACMG guidelines (Richards et al., 2015); Canonical splice site variant in a gene or region of a gene for which loss of function is not a well-established mechanism of disease; Not observed at significant frequency in large population cohorts (gnomAD); Has not been previously published as pathogenic or benign to our knowledge